The following is an entry in ClinVar:

NM_201253.3(CRB1):c.3440C>T (p.Pro1147Leu)

Gene: CRB1 (crumbs cell polarity complex component 1; plus strand). Cytogenetic location: 1q31.3.
Variant type: single nucleotide variant.
Coding change: c.3440C>T on transcript NM_201253.3 (MANE Select); coding-DNA position 3440, C replaced by T.
Protein change: p.Pro1147Leu; replaces proline 1147 with leucine.
Molecular consequence: missense variant. On other transcripts: non-coding transcript variant (2), intron variant (1).
Genome position (GRCh38, 1-based): chr1:197,435,303, C>T. VCF-style: chr1-197435303-C-T. GRCh37 (hg19) VCF-style: chr1-197404433-C-T.
Other names: c.3104C>T, p.Pro1035Leu (NM_001193640.2); c.3368C>T, p.Pro1123Leu (NM_001257965.2); c.2129-297C>T (NM_001257966.2); short protein forms P1035L, P1147L, P1123L.
Identifiers: ClinVar variation 1466729 (VCV001466729.8), dbSNP rs1034421454, ClinGen allele CA35907683.

ClinVar aggregate classification (germline): Uncertain significance (1 of 4 stars; one submission).

Conditions:
Retinitis pigmentosa 12 (RP12). Also called: RP WITH OR WITHOUT PRESERVED PARAARTERIOLE RETINAL PIGMENT EPITHELIUM; RETINITIS PIGMENTOSA WITH OR WITHOUT PARAARTERIOLAR PRESERVATION OF RETINAL PIGMENT EPITHELIUM; RP WITH OR WITHOUT PPRPE. Identifiers: Orphanet 791, MedGen C1838647, MONDO:0010818, OMIM 600105.
Leber congenital amaurosis 8 (LCA8). Identifiers: Orphanet 65, MedGen C3151202, MONDO:0013453, OMIM 613835.

Allele frequency attached by ClinVar (database versions not stated): TOPMed below 0.00001; gnomAD 0.00001; gnomAD exomes 0.00001.
gnomAD v4.1: 12 of 1,613,706 alleles (0.00074%); highest among the groups gnomAD compares: Non-Finnish European, 0.001%; no homozygotes.

Submission:

Labcorp Genetics (formerly Invitae), Labcorp
Classification: Uncertain significance for Leber congenital amaurosis 8; Retinitis pigmentosa 12. Last evaluated: 2022-10-13. Review status: criteria provided, single submitter. Criteria: Invitae Variant Classification Sherloc (09022015). Collection method: clinical testing. Allele origin: germline.
Comment: In summary, the available evidence is currently insufficient to determine the role of this variant in disease. Therefore, it has been classified as a Variant of Uncertain Significance. Advanced modeling of protein sequence and biophysical properties (such as structural, functional, and spatial information, amino acid conservation, physicochemical variation, residue mobility, and thermodynamic stability) performed at Invitae indicates that this missense variant is expected to disrupt CRB1 protein function. ClinVar contains an entry for this variant (Variation ID: 1466729). This variant has not been reported in the literature in individuals affected with CRB1-related conditions. This variant is not present in population databases (gnomAD no frequency). This sequence change replaces proline, which is neutral and non-polar, with leucine, which is neutral and non-polar, at codon 1147 of the CRB1 protein (p.Pro1147Leu).